The following is an entry in ClinVar:

ClinVar aggregate classification (germline): Benign/Likely benign. Review status: criteria provided, multiple submitters, no conflicts (2 of 4 stars). 12 submissions from 12 submitters: Benign (5); Likely benign (3). 4 of the submissions do not count toward it. Last evaluated 2026-01-31.

Conditions:
Oto-palato-digital syndrome, type II (OPD2). Also called: OPD II SYNDROME; FACIOPALATOOSSEOUS SYNDROME; Otopalatodigital Syndrome, Type II; Otopalatodigital Syndrome Type 2 (FLNA-OPD2). Identifiers: Orphanet 669, Orphanet 90652, MedGen C1844696, MONDO:0010571, OMIM 304120.
Frontometaphyseal dysplasia (FMD1). Identifiers: Orphanet 1826, MedGen C0265293, MONDO:0015942.
Melnick-Needles syndrome (MNS). Also called: OSTEODYSPLASTY OF MELNICK AND NEEDLES; MELNICK-NEEDLES OSTEODYSPLASTY; Melnick-Needles Syndrome (FLNA-MNS). Identifiers: Orphanet 2484, MedGen C0025237, MONDO:0010650, OMIM 309350.
Heterotopia, periventricular, X-linked dominant (PVNH1). Also called: PERIVENTRICULAR NODULAR HETEROTOPIA 1; X-linked periventricular heterotopia; PERIVENTRICULAR NODULAR HETEROTOPIA 4; HETEROTOPIA, PERIVENTRICULAR, 1. Identifiers: Orphanet 2149, Orphanet 82004, MedGen C1848213, MONDO:0010233, OMIM 300049.
FLNA-related disorder.
Familial thoracic aortic aneurysm and aortic dissection (TAAD). Also called: Thoracic aortic aneurysms and dissections. Identifiers: Orphanet 91387, MedGen C4707243, MONDO:0019625.

Allele frequency attached by ClinVar (database versions not stated): gnomAD exomes 0.00035; ExAC 0.00039; 1000 Genomes Project 30x 0.00042; 1000 Genomes Project 0.00053; gnomAD 0.00124 and 0.00135; TOPMed 0.00148; ESP Exome Variant Server 0.00167.
gnomAD v4.1: 287 of 1,210,104 alleles (0.024%); highest among the groups gnomAD compares: African/African-American, 0.44%; 1 homozygote.

Submissions (12):

Labcorp Genetics (formerly Invitae), Labcorp
Classification: Benign for Oto-palato-digital syndrome, type II; Heterotopia, periventricular, X-linked dominant; Frontometaphyseal dysplasia; Melnick-Needles syndrome. Last evaluated: 2026-01-31. Review status: criteria provided, single submitter. Criteria: Invitae Variant Classification Sherloc (09022015). Collection method: clinical testing. Allele origin: germline.

Mayo Clinic Laboratories, Mayo Clinic
Classification: Benign. Last evaluated: 2025-01-14. Review status: criteria provided, single submitter. Criteria: ACMG Guidelines, 2015. Collection method: clinical testing. Allele origin: germline. Observed: 6 variant alleles.
Comment: BS1, BS2, PP3_moderate

Blueprint Genetics
Classification: Likely benign. Last evaluated: 2024-10-18. Review status: criteria provided, single submitter. Criteria: ACMG Guidelines, 2015. Collection method: clinical testing. Allele origin: germline.

ARUP Laboratories, Molecular Genetics and Genomics, ARUP Laboratories
Classification: Benign. Last evaluated: 2024-10-11. Review status: criteria provided, single submitter. Criteria: ARUP Molecular Germline Variant Investigation Process 2024. Collection method: clinical testing. Allele origin: germline.

Women's Health and Genetics/Laboratory Corporation of America, LabCorp
Classification: Likely benign. Last evaluated: 2023-08-24. Review status: criteria provided, single submitter. Criteria: LabCorp Variant Classification Summary - May 2015. Collection method: clinical testing. Allele origin: germline.

GeneDx
Classification: Likely benign. Last evaluated: 2021-01-07. Review status: criteria provided, single submitter. Criteria: GeneDx Variant Classification Process June 2021. Collection method: clinical testing. Allele origin: germline. Affected: yes.

Ambry Genetics
Classification: Benign for Familial thoracic aortic aneurysm and aortic dissection. Last evaluated: 2017-05-31. Review status: criteria provided, single submitter. Criteria: Ambry Variant Classification Scheme 2023. Collection method: clinical testing. Allele origin: germline.

Eurofins Ntd Llc (ga)
Classification: Benign. Last evaluated: 2015-06-05. Review status: criteria provided, single submitter. Criteria: EGL Classification Definitions 2015. Collection method: clinical testing. Allele origin: germline. Observed: 1 variant allele, 1 hemizygote.

PreventionGenetics, part of Exact Sciences
Classification: Benign for FLNA-related condition. Last evaluated: 2019-06-25. Review status: no assertion criteria provided. Collection method: clinical testing. Allele origin: germline. Not counted in ClinVar's aggregate classification.
Comment: This variant is classified as benign based on ACMG/AMP sequence variant interpretation guidelines (Richards et al. 2015 PMID: 25741868, with internal and published modifications).

Clinical Genetics DNA and cytogenetics Diagnostics Lab, Erasmus MC, Erasmus Medical Center
Classification: Benign. Review status: no assertion criteria provided. Collection method: clinical testing. Allele origin: germline. Affected: yes. Study: VKGL Data-share Consensus. Not counted in ClinVar's aggregate classification.

Diagnostic Laboratory, Department of Genetics, University Medical Center Groningen
Classification: Likely benign. Review status: no assertion criteria provided. Collection method: clinical testing. Allele origin: germline. Affected: yes. Study: VKGL Data-share Consensus. Not counted in ClinVar's aggregate classification.

Laboratory of Diagnostic Genome Analysis, Leiden University Medical Center (LUMC)
Classification: Likely benign. Review status: no assertion criteria provided. Collection method: clinical testing. Allele origin: germline. Affected: yes. Study: VKGL Data-share Consensus. Not counted in ClinVar's aggregate classification.

NM_001110556.2(FLNA):c.7222G>A (p.Gly2408Ser)

Gene: FLNA (filamin A; minus strand). Cytogenetic location: Xq28.
Variant type: single nucleotide variant.
Coding change: c.7222G>A on transcript NM_001110556.2 (MANE Select); coding-DNA position 7222, G replaced by A.
Protein change: p.Gly2408Ser; replaces glycine 2408 with serine.
Molecular consequence: missense variant.
Genome position (GRCh38, 1-based): chrX:154,350,142, C>T on the plus strand (G>A on the coding strand, the complement: FLNA is on the minus strand). VCF-style: chrX-154350142-C-T. GRCh37 (hg19) VCF-style: chrX-153578510-C-T.
Other names: p.Gly2400Ser; c.7222G>A (NM_001110556.1); c.7198G>A, p.Gly2400Ser (NM_001456.4); short protein forms G2408S, G2400S.
Identifiers: ClinVar variation 197499 (VCV000197499.39), dbSNP rs201168500, ClinGen allele CA202917.